The following is an entry in ClinVar:

ClinVar aggregate classification (germline): Uncertain significance. Review status: criteria provided, multiple submitters, no conflicts (2 of 4 stars). 6 submissions from 6 submitters: Uncertain significance (6). Last evaluated 2026-04-24.

Conditions:
Nephronophthisis 15 (NPHP15). Identifiers: Orphanet 3156, MedGen C3541853, MONDO:0013917, OMIM 614845.
Inborn genetic diseases. Identifiers: MedGen C0950123, MeSH D030342.
CEP164-related disorder. Also called: CEP164-related condition.

Allele frequency attached by ClinVar (database versions not stated): gnomAD 0.00003; ExAC 0.00002; TOPMed 0.00006.
gnomAD v4.1: 105 of 1,613,186 alleles (0.0065%); highest among the groups gnomAD compares: Non-Finnish European, 0.0084%; no homozygotes.

Submissions (6):

GeneDx
Classification: Uncertain significance. Last evaluated: 2026-04-24. Review status: criteria provided, single submitter. Criteria: GeneDx Variant Classification Process June 2021. Collection method: clinical testing. Allele origin: germline.
Comment: In silico analysis supports that this missense variant has a deleterious effect on protein structure/function; Has not been previously published as pathogenic or benign to our knowledge

PreventionGenetics, part of Exact Sciences
Classification: Uncertain significance for CEP164-related condition. Last evaluated: 2026-03-12. Review status: criteria provided, single submitter. Criteria: ACMG Guidelines, 2015. Collection method: clinical testing. Allele origin: germline.
Comment: The CEP164 c.4123C>G variant is predicted to result in the amino acid substitution p.Pro1375Ala. To our knowledge, this variant has not been reported in the literature. This variant is reported in 0.0062% of alleles in individuals of African descent in gnomAD. At this time, the clinical significance of this variant is uncertain due to the absence of conclusive functional and genetic evidence.

Ambry Genetics
Classification: Uncertain significance for Inborn genetic diseases. Last evaluated: 2024-11-09. Review status: criteria provided, single submitter. Criteria: Ambry Variant Classification Scheme 2023. Collection method: clinical testing. Allele origin: germline.

Blueprint Genetics
Classification: Uncertain significance. Last evaluated: 2024-10-11. Review status: criteria provided, single submitter. Criteria: ACMG Guidelines, 2015. Collection method: clinical testing. Allele origin: germline.

Fulgent Genetics
Classification: Uncertain significance for Nephronophthisis 15. Last evaluated: 2021-10-29. Review status: criteria provided, single submitter. Criteria: ACMG Guidelines, 2015. Collection method: clinical testing. Allele origin: unknown.

Labcorp Genetics (formerly Invitae), Labcorp
Classification: Uncertain significance for Nephronophthisis 15. Last evaluated: 2021-08-30. Review status: criteria provided, single submitter. Criteria: Invitae Variant Classification Sherloc (09022015). Collection method: clinical testing. Allele origin: germline.
Comment: This sequence change replaces proline with alanine at codon 1375 of the CEP164 protein (p.Pro1375Ala). The proline residue is highly conserved and there is a small physicochemical difference between proline and alanine. This variant is present in population databases (rs757246851, ExAC 0.003%). This variant has not been reported in the literature in individuals affected with CEP164-related conditions. Algorithms developed to predict the effect of missense changes on protein structure and function (SIFT, PolyPhen-2, Align-GVGD) all suggest that this variant is likely to be disruptive. In summary, the available evidence is currently insufficient to determine the role of this variant in disease. Therefore, it has been classified as a Variant of Uncertain Significance.

NM_014956.5(CEP164):c.4123C>G (p.Pro1375Ala)

Gene: CEP164 (centrosomal protein 164; plus strand). Cytogenetic location: 11q23.3.
Variant type: single nucleotide variant.
Coding change: c.4123C>G on transcript NM_014956.5 (MANE Select); coding-DNA position 4123, C replaced by G.
Protein change: p.Pro1375Ala; replaces proline 1375 with alanine.
Molecular consequence: missense variant.
Genome position (GRCh38, 1-based): chr11:117,410,854, C>G. VCF-style: chr11-117410854-C-G. GRCh37 (hg19) VCF-style: chr11-117281570-C-G.
Other names: c.4108C>G, p.Pro1370Ala (NM_001271933.2); c.4123C>G (NM_014956.4); short protein forms P1370A, P1375A.
Identifiers: ClinVar variation 1057128 (VCV001057128.12), dbSNP rs757246851, ClinGen allele CA6295713.